The following is an entry in ClinVar:

ClinVar aggregate classification (germline): Uncertain significance. Review status: criteria provided, multiple submitters, no conflicts (2 of 4 stars). 4 submissions from 4 submitters: Uncertain significance (4). Last evaluated 2025-06-18.

Conditions:
Emery-Dreifuss muscular dystrophy 5, autosomal dominant (EDMD5). Also called: EMERY-DREIFUSS MUSCULAR DYSTROPHY 5. Identifiers: Orphanet 261, MedGen C2751805, MONDO:0013072, OMIM 612999.

Allele frequency attached by ClinVar (database versions not stated): ExAC 0.00002; TOPMed 0.00002; gnomAD exomes 0.00003; gnomAD 0.00004.
gnomAD v4.1: 53 of 1,614,040 alleles (0.0033%); highest among the groups gnomAD compares: Non-Finnish European, 0.0042%; no homozygotes.

Submissions (4):

Revvity Omics, Revvity
Classification: Uncertain significance for Emery-Dreifuss muscular dystrophy 5, autosomal dominant. Last evaluated: 2025-06-18. Review status: criteria provided, single submitter. Criteria: ACMG Guidelines, 2015. Collection method: clinical testing. Allele origin: germline.

Women's Health and Genetics/Laboratory Corporation of America, LabCorp
Classification: Uncertain significance. Last evaluated: 2025-02-27. Review status: criteria provided, single submitter. Criteria: LabCorp Variant Classification Summary - May 2015. Collection method: clinical testing. Allele origin: germline.
Comment: Variant summary: SYNE2 c.11873A>G (p.Gln3958Arg) results in a conservative amino acid change in the encoded protein sequence. Five of five in-silico tools predict a benign effect of the variant on protein function. The variant allele was found at a frequency of 4e-06 in 251402 control chromosomes. The available data on variant occurrences in the general population are insufficient to allow any conclusion about variant significance. To our knowledge, no occurrence of c.11873A>G in individuals affected with Emery-Dreifuss muscular dystrophy 5, autosomal dominant and no experimental evidence demonstrating its impact on protein function have been reported. ClinVar contains an entry for this variant (Variation ID: 2750270). Based on the evidence outlined above, the variant was classified as uncertain significance.

Ambry Genetics
Classification: Uncertain significance. Last evaluated: 2024-01-23. Review status: criteria provided, single submitter. Criteria: Ambry Variant Classification Scheme 2023. Collection method: clinical testing. Allele origin: germline.

Labcorp Genetics (formerly Invitae), Labcorp
Classification: Uncertain significance for Emery-Dreifuss muscular dystrophy 5, autosomal dominant. Last evaluated: 2023-04-15. Review status: criteria provided, single submitter. Criteria: Invitae Variant Classification Sherloc (09022015). Collection method: clinical testing. Allele origin: germline.
Comment: This variant has not been reported in the literature in individuals affected with SYNE2-related conditions. In summary, the available evidence is currently insufficient to determine the role of this variant in disease. Therefore, it has been classified as a Variant of Uncertain Significance. An algorithm developed to predict the effect of missense changes on protein structure and function (PolyPhen-2) suggests that this variant is likely to be disruptive. This variant is present in population databases (rs749813861, gnomAD 0.003%). This sequence change replaces glutamine, which is neutral and polar, with arginine, which is basic and polar, at codon 3958 of the SYNE2 protein (p.Gln3958Arg).

NM_182914.3(SYNE2):c.11873A>G (p.Gln3958Arg)

Gene: SYNE2 (spectrin repeat containing nuclear envelope protein 2; plus strand). Cytogenetic location: 14q23.2.
Variant type: single nucleotide variant.
Coding change: c.11873A>G on transcript NM_182914.3 (MANE Select); coding-DNA position 11873, A replaced by G.
Protein change: p.Gln3958Arg; replaces glutamine 3958 with arginine.
Molecular consequence: missense variant.
Genome position (GRCh38, 1-based): chr14:64,090,945, A>G. VCF-style: chr14-64090945-A-G. GRCh37 (hg19) VCF-style: chr14-64557663-A-G.
Other names: c.11873A>G (NM_182914.2); c.11873A>G, p.Gln3958Arg (NM_015180.6); short protein forms Q3958R.
Identifiers: ClinVar variation 2750270 (VCV002750270.6), dbSNP rs749813861, ClinGen allele CA7221940.